The following is an entry in ClinVar:

NM_015202.5(KATNIP):c.3991G>A (p.Val1331Ile)

Genes: KATNIP (katanin interacting protein; plus strand), LOC126862323 (P300/CBP strongly-dependent group 1 enhancer GRCh37_chr16:27780758-27781957; plus strand). Cytogenetic location: 16p12.1.
Variant type: single nucleotide variant.
Coding change: c.3991G>A on transcript NM_015202.5 (MANE Select); coding-DNA position 3991, G replaced by A.
Protein change: p.Val1331Ile; replaces valine 1331 with isoleucine.
Molecular consequence: missense variant.
Genome position (GRCh38, 1-based): chr16:27,769,876, G>A. VCF-style: chr16-27769876-G-A. GRCh37 (hg19) VCF-style: chr16-27781197-G-A.
Other names: short protein forms V1331I.
Identifiers: ClinVar variation 1936821 (VCV001936821.5), dbSNP rs752472912, ClinGen allele CA7978464.
Genomic context (GRCh38, chr16:27,769,876, plus strand): 5'-CATGGCCTGCCTCCCTTCAGTCATGTTATTTCTTTTGTTTGCCAGGCCAAGATTGTCCAC[G>A]TCTCCCTGGATGGCCTGTGCGTCTCCCCGCCAGAGGGCTTTCTCATCCGGAAGGGGCCAG-3'
Protein context (NP_056017.4, residues 1321-1341): DTYRGAKIVH[Val1331Ile]SLDGLCVSPP

ClinVar aggregate classification (germline): Uncertain significance (1 of 4 stars; one submission).

Allele frequency attached by ClinVar (database versions not stated): gnomAD exomes 0.00002; gnomAD 0.00003; TOPMed 0.00004.
gnomAD v4.1: 30 of 1,613,892 alleles (0.0019%); highest among the groups gnomAD compares: African/African-American, 0.0053%; no homozygotes.

Submission:

Labcorp Genetics (formerly Invitae), Labcorp
Classification: Uncertain significance. Last evaluated: 2024-08-14. Review status: criteria provided, single submitter. Criteria: Invitae Variant Classification Sherloc (09022015). Collection method: clinical testing. Allele origin: germline.
Comment: This sequence change replaces valine, which is neutral and non-polar, with isoleucine, which is neutral and non-polar, at codon 1331 of the KIAA0556 protein (p.Val1331Ile). This variant is present in population databases (rs752472912, gnomAD 0.008%). This variant has not been reported in the literature in individuals affected with KIAA0556-related conditions. ClinVar contains an entry for this variant (Variation ID: 1936821). An algorithm developed to predict the effect of missense changes on protein structure and function outputs the following: PolyPhen-2: "Benign". The isoleucine amino acid residue is found in multiple mammalian species, which suggests that this missense change does not adversely affect protein function. In summary, the available evidence is currently insufficient to determine the role of this variant in disease. Therefore, it has been classified as a Variant of Uncertain Significance.